The following is an entry in ClinVar:

ClinVar aggregate classification (germline): Uncertain significance (1 of 4 stars; one submission).

Conditions:
Muscular dystrophy-dystroglycanopathy type B6 (MDDGB6). Also called: MUSCULAR DYSTROPHY-DYSTROGLYCANOPATHY (CONGENITAL WITH IMPAIRED INTELLECTUAL DEVELOPMENT), TYPE B, 6; MUSCULAR DYSTROPHY, CONGENITAL, LARGE-RELATED; MUSCULAR DYSTROPHY, CONGENITAL, TYPE 1D. Identifiers: MedGen C1837229, MONDO:0012138, OMIM 608840.

Allele frequency attached by ClinVar (database versions not stated): TOPMed below 0.00001.

Submission:

Labcorp Genetics (formerly Invitae), Labcorp
Classification: Uncertain significance for Muscular dystrophy-dystroglycanopathy type B6. Last evaluated: 2022-06-14. Review status: criteria provided, single submitter. Criteria: Invitae Variant Classification Sherloc (09022015). Collection method: clinical testing. Allele origin: germline.
Comment: This sequence change replaces proline, which is neutral and non-polar, with serine, which is neutral and polar, at codon 39 of the LARGE1 protein (p.Pro39Ser). This variant is not present in population databases (gnomAD no frequency). This variant has not been reported in the literature in individuals affected with LARGE1-related conditions. Algorithms developed to predict the effect of missense changes on protein structure and function (SIFT, PolyPhen-2, Align-GVGD) all suggest that this variant is likely to be tolerated. In summary, the available evidence is currently insufficient to determine the role of this variant in disease. Therefore, it has been classified as a Variant of Uncertain Significance.

NM_133642.5(LARGE1):c.115C>T (p.Pro39Ser)

Gene: LARGE1 (LARGE xylosyl- and glucuronyltransferase 1; minus strand). Cytogenetic location: 22q12.3.
Variant type: single nucleotide variant.
Coding change: c.115C>T on transcript NM_133642.5 (MANE Select); coding-DNA position 115, C replaced by T.
Protein change: p.Pro39Ser; replaces proline 39 with serine.
Molecular consequence: missense variant.
Genome position (GRCh38, 1-based): chr22:33,650,660, G>A on the plus strand (C>T on the coding strand, the complement: LARGE1 is on the minus strand). VCF-style: chr22-33650660-G-A. GRCh37 (hg19) VCF-style: chr22-34046646-G-A.
Other names: c.115C>T, p.Pro39Ser (NM_001362949.2, NM_001362951.2, NM_001362953.2 and 7 more transcripts); short protein forms P39S.
Identifiers: ClinVar variation 2186227 (VCV002186227.1), dbSNP rs2080773778, ClinGen allele CA411546587.
Genomic context (GRCh38, chr22:33,650,660, plus strand): 5'-GGCTGGAGGCCGTGTACCTGGGGCTGTGTGCCTGGGACTCCAGCGGTGACAGAGACACGG[G>A]CTTTCCATCTGGGGAGCGAAACACCAGGGAAGCTTTAATCTGGATGAACCATGCCTCAAG-3'
Protein context (NP_598397.1, residues 29-49): LFSGSFEDGK[Pro39Ser]VSLSPLESQA